The following is an entry in ClinVar:

NM_021071.4(ART4):c.793G>A (p.Asp265Asn)

Gene: ART4 (ADP-ribosyltransferase 4 (inactive) (Dombrock blood group); minus strand). Cytogenetic location: 12p12.3.
Variant type: single nucleotide variant.
Coding change: c.793G>A on transcript NM_021071.4 (MANE Select); coding-DNA position 793, G replaced by A.
Protein change: p.Asp265Asn; replaces aspartic acid 265 with asparagine.
Molecular consequence: missense variant.
Genome position (GRCh38, 1-based): chr12:14,840,505, C>T on the plus strand (G>A on the coding strand, the complement: ART4 is on the minus strand). VCF-style: chr12-14840505-C-T. GRCh37 (hg19) VCF-style: chr12-14993439-C-T.
Other names: N265D; c.793G>A, p.Asp265Asn (NM_001354646.2); c.793G>A (NM_021071.2); short protein forms D265N.
Identifiers: ClinVar variation 17730 (VCV000017730.3), dbSNP rs11276, ClinGen allele CA210958.

ClinVar aggregate classification (germline): Benign; Affects. Review status: no assertion criteria provided (0 of 4 stars). 2 submissions from 2 submitters: Benign (1). Last evaluated 2019-10-17.

Conditions:
ART4-related disorder. Also called: ART4-related condition.
Blood group, Dombrock system (DO). Also called: DOMBROCK BLOOD GROUP SYSTEM, DO(a)/DO(b) POLYMORPHISM; DOMBROCK BLOOD GROUP SYSTEM, DO-NULL PHENOTYPE. Identifiers: MedGen C1292294, OMIM 616060.

Allele frequency attached by ClinVar (database versions not stated): 1000 Genomes Project 0.29273; 1000 Genomes Project 30x 0.29357; gnomAD 0.33817 and 0.33901; TOPMed 0.34081; gnomAD exomes 0.34730 and 0.37764; ExAC 0.34903.
gnomAD v4.1: 602,561 of 1,613,718 alleles (37%); highest among the groups gnomAD compares: Middle Eastern, 44%; 116,052 homozygotes.

Submissions (2):

PreventionGenetics, part of Exact Sciences
Classification: Benign for ART4-related condition. Last evaluated: 2019-10-17. Review status: no assertion criteria provided. Collection method: clinical testing. Allele origin: germline.
Comment: This variant is classified as benign based on ACMG/AMP sequence variant interpretation guidelines (Richards et al. 2015 PMID: 25741868, with internal and published modifications).

OMIM
Classification: Affects for DOMBROCK BLOOD GROUP SYSTEM, DO(a)/DO(b) POLYMORPHISM. Last evaluated: 2000-10-01. Review status: no assertion criteria provided. Collection method: literature only. Allele origin: germline.

Literature cited by the submitters: PubMed 11001920 (cited by OMIM).